The following is an entry in ClinVar:

ClinVar aggregate classification (germline): Conflicting classifications of pathogenicity. Review status: criteria provided, conflicting classifications (1 of 4 stars). 7 submissions from 7 submitters: Uncertain significance (5); Likely benign (1). 1 of the submissions does not count toward it. Last evaluated 2026-03-09.

Conditions:
Developmental and epileptic encephalopathy, 34 (DEE34). Also called: Early infantile epileptic encephalopathy 34; SLC12A5-Related Epilepsy of Infancy with Migrating Focal Seizures. Identifiers: Orphanet 293181, MedGen C4225257, MONDO:0014718, OMIM 616645.
Epilepsy, idiopathic generalized, susceptibility to, 14 (EIG14). Identifiers: MedGen C4225245, MONDO:0014734, OMIM 616685.
SLC12A5-related disorder. Also called: SLC12A5-related condition.

Allele frequency attached by ClinVar (database versions not stated): gnomAD exomes 0.00006 and 0.00025; gnomAD 0.00009; TOPMed 0.00014; ExAC 0.00016.
gnomAD v4.1: 108 of 1,613,956 alleles (0.0067%); highest among the groups gnomAD compares: Admixed American, 0.082%; no homozygotes.

Submissions (7):

Women's Health and Genetics/Laboratory Corporation of America, LabCorp
Classification: Uncertain significance. Last evaluated: 2026-03-09. Review status: criteria provided, single submitter. Criteria: LabCorp Variant Classification Summary - May 2015. Collection method: clinical testing. Allele origin: germline.
Comment: Variant summary: SLC12A5 c.3329-3C>A alters a conserved nucleotide located close to a canonical splice site and therefore could affect mRNA splicing, leading to a significantly altered protein sequence. Several computational tools predict a significant impact on normal splicing: Three predict the variant abolishes a 3' acceptor site. One predicts the variant weakens a 3' acceptor site. However, these predictions have yet to be confirmed by functional studies. The variant allele was found at a frequency of 0.00025 in 249022 control chromosomes. This frequency is not significantly higher than estimated for disease-causing variants in SLC12A5, allowing no conclusion about variant significance. To our knowledge, no occurrence of c.3329-3C>A in individuals affected with SLC12A5-related conditions and no experimental evidence demonstrating its impact on protein function have been reported. ClinVar contains an entry for this variant (Variation ID: 475655). Based on the evidence outlined above, the variant was classified as uncertain significance.

Labcorp Genetics (formerly Invitae), Labcorp
Classification: Uncertain significance for Developmental and epileptic encephalopathy, 34. Last evaluated: 2026-02-02. Review status: criteria provided, single submitter. Criteria: Invitae Variant Classification Sherloc (09022015). Collection method: clinical testing. Allele origin: germline.
Comment: This sequence change falls in intron 25 of the SLC12A5 gene. It does not directly change the encoded amino acid sequence of the SLC12A5 protein. It affects a nucleotide within the consensus splice site. This variant is present in population databases (rs762852631, gnomAD 0.2%). This variant has not been reported in the literature in individuals affected with SLC12A5-related conditions. ClinVar contains an entry for this variant (Variation ID: 475655). Variants that disrupt the consensus splice site are a relatively common cause of aberrant splicing (PMID: 17576681, 9536098). Algorithms developed to predict the effect of sequence changes on RNA splicing suggest that this variant is not likely to affect RNA splicing. In summary, the available evidence is currently insufficient to determine the role of this variant in disease. Therefore, it has been classified as a Variant of Uncertain Significance.

Revvity Omics, Revvity
Classification: Uncertain significance for Developmental and epileptic encephalopathy, 34. Last evaluated: 2025-01-02. Review status: criteria provided, single submitter. Criteria: ACMG Guidelines, 2015. Collection method: clinical testing. Allele origin: germline.

Ambry Genetics
Classification: Uncertain significance. Last evaluated: 2024-12-04. Review status: criteria provided, single submitter. Criteria: Ambry Variant Classification Scheme 2023. Collection method: clinical testing. Allele origin: germline.
Comment: The c.3329-3C>A intronic alteration consists of a C to A substitution 3 nucleotides before coding exon 26 in the SLC12A5 gene. In silico splice site analysis predicts that this alteration will not have any significant effect on splicing. Based on insufficient or conflicting evidence, the clinical significance of this alteration remains unclear.

CeGaT Center for Human Genetics Tuebingen
Classification: Likely benign. Last evaluated: 2024-03-01. Review status: criteria provided, single submitter. Criteria: CeGaT Center For Human Genetics Tuebingen Variant Classification Criteria Version 2. Collection method: clinical testing. Allele origin: germline. Affected: yes. Observed: 1 variant allele.
Comment: SLC12A5: BP4

Fulgent Genetics
Classification: Uncertain significance for Developmental and epileptic encephalopathy, 34; Epilepsy, idiopathic generalized, susceptibility to, 14. Last evaluated: 2018-10-31. Review status: criteria provided, single submitter. Criteria: ACMG Guidelines, 2015. Collection method: clinical testing. Allele origin: unknown.

PreventionGenetics, part of Exact Sciences
Classification: Likely benign for SLC12A5-related condition. Last evaluated: 2023-11-14. Review status: no assertion criteria provided. Collection method: clinical testing. Allele origin: germline. Not counted in ClinVar's aggregate classification.
Comment: This variant is classified as likely benign based on ACMG/AMP sequence variant interpretation guidelines (Richards et al. 2015 PMID: 25741868, with internal and published modifications).

Literature cited by the submitters: PubMed 17576681 (cited by Labcorp Genetics (formerly Invitae), Labcorp); PubMed 9536098 (cited by Labcorp Genetics (formerly Invitae), Labcorp); PubMed 28106320 (cited by Ambry Genetics).

NM_020708.5(SLC12A5):c.3260-3C>A

Genes: SLC12A5 (solute carrier family 12 member 5; plus strand), LOC113960611 (Sharpr-MPRA regulatory region 3425; plus strand). Cytogenetic location: 20q13.12.
Variant type: single nucleotide variant.
Coding change: c.3260-3C>A on transcript NM_020708.5 (MANE Select); 3 bases into the intron before coding-DNA position 3260, C replaced by A.
Molecular consequence: intron variant.
Genome position (GRCh38, 1-based): chr20:46,057,511, C>A. VCF-style: chr20-46057511-C-A. GRCh37 (hg19) VCF-style: chr20-44686150-C-A.
Other names: c.3329-3C>A (NM_001134771.2, NM_001134771.1).
Identifiers: ClinVar variation 475655 (VCV000475655.35), dbSNP rs762852631, ClinGen allele CA9887865.